The following is an entry in ClinVar:

NM_001365951.3(KIF1B):c.2305A>C (p.Asn769His)

Gene: KIF1B (kinesin family member 1B; plus strand). Cytogenetic location: 1p36.22.
Variant type: single nucleotide variant.
Coding change: c.2305A>C on transcript NM_001365951.3 (MANE Select); coding-DNA position 2305, A replaced by C.
Protein change: p.Asn769His; replaces asparagine 769 with histidine.
Molecular consequence: missense variant.
Genome position (GRCh38, 1-based): chr1:10,321,804, A>C. VCF-style: chr1-10321804-A-C. GRCh37 (hg19) VCF-style: chr1-10381862-A-C.
Other names: c.2305A>C, p.Asn769His (NM_001365952.1); c.2167A>C, p.Asn723His (NM_015074.3); short protein forms N723H, N769H.
Identifiers: ClinVar variation 4858807 (VCV004858807.1).
Genomic context (GRCh38, chr1:10,321,804, plus strand): 5'-TGGGCCTTCCGGAAATGGAAGTCTCATCAGTTTACTTCATTACGGGACTTACTCTGGGGC[A>C]ATGCCGTGTACCTAAAGGAGGCCAATGCCATCAGTGTGGAACTGAAAAAGAAGGTATGGA-3'
Protein context (NP_001352880.1, residues 759-779): FTSLRDLLWG[Asn769His]AVYLKEANAI

ClinVar aggregate classification (germline): Uncertain significance (1 of 4 stars; one submission).

Submission:

Ambry Genetics
Classification: Uncertain significance. Last evaluated: 2026-04-26. Review status: criteria provided, single submitter. Criteria: Ambry Variant Classification Scheme 2023. Collection method: clinical testing. Allele origin: germline.
Comment: The p.N723H variant (also known as c.2167A>C), located in coding exon 21 of the KIF1B gene, results from an A to C substitution at nucleotide position 2167. The asparagine at codon 723 is replaced by histidine, an amino acid with similar properties. This amino acid position is conserved. In addition, the in silico prediction for this alteration is inconclusive. Based on the available evidence, the clinical significance of this variant remains unclear.